The following is an entry in ClinVar:

NM_004092.4(ECHS1):c.160C>T (p.Arg54Cys)

Gene: ECHS1 (enoyl-CoA hydratase, short chain 1; minus strand). Cytogenetic location: 10q26.3.
Variant type: single nucleotide variant.
Coding change: c.160C>T on transcript NM_004092.4 (MANE Select); coding-DNA position 160, C replaced by T.
Protein change: p.Arg54Cys; replaces arginine 54 with cysteine.
Molecular consequence: missense variant.
Genome position (GRCh38, 1-based): chr10:133,370,686, G>A on the plus strand (C>T on the coding strand, the complement: ECHS1 is on the minus strand). VCF-style: chr10-133370686-G-A. GRCh37 (hg19) VCF-style: chr10-135184190-G-A.
Other names: short protein forms R54C.
Identifiers: ClinVar variation 369670 (VCV000369670.14), dbSNP rs758723288, ClinGen allele CA5765863.

ClinVar aggregate classification (germline): Pathogenic/Likely pathogenic. Review status: criteria provided, multiple submitters, no conflicts (2 of 4 stars). 7 submissions from 7 submitters: Pathogenic (2); Likely pathogenic (4). 1 of the submissions does not count toward it. Last evaluated 2026-03-13.

Conditions:
ECHS1-related disorders.
Mitochondrial short-chain Enoyl-Coa hydratase 1 deficiency. Also called: PxMD-ECHS1; Mitochondrial Short-Chain Enoyl-CoA Hydratase Deficiency; ECHS1 deficiency. Identifiers: Orphanet 255241, Orphanet 653880, MedGen C4225391, MONDO:0014563, OMIM 616277.
ECHS1-related disorder. Also called: ECHS1-related condition.

Allele frequency attached by ClinVar (database versions not stated): ExAC 0.00001; gnomAD 0.00001; gnomAD exomes 0.00001; TOPMed 0.00001.

Submissions (7):

GeneDx
Classification: Likely pathogenic. Last evaluated: 2026-03-13. Review status: criteria provided, single submitter. Criteria: GeneDx Variant Classification Process June 2021. Collection method: clinical testing. Allele origin: germline.
Comment: Not observed at significant frequency in large population cohorts (gnomAD); In silico analysis supports that this missense variant has a deleterious effect on protein structure/function; This variant is associated with the following publications: (PMID: 28832562, 29453417, 26938784, 35856138, 36515364)

Variantyx, Inc.
Classification: Likely pathogenic for Mitochondrial short-chain Enoyl-Coa hydratase 1 deficiency. Last evaluated: 2025-08-08. Review status: criteria provided, single submitter. Criteria: Variantyx Assertion Criteria 2022. Collection method: clinical testing. Allele origin: germline. Inheritance: Autosomal recessive inheritance. Affected: yes.
Comment: This is a nonsynonymous variant in the ECHS1 gene (OMIM: 602292). Pathogenic variants in this gene have been associated with autosomal recessive mitochondrial short-chain enoyl-CoA hydratase 1 deficiency. This variant has been identified in the homozygous or compound heterozygous state in at least 2 individuals reported in the published literature (PMID: 26938784, 36515364) (PM3_Strong). An alternate amino acid change at this position (p.Arg54His) has been previously reported in similarly affected individuals, which suggests that this residue is biologically important (PMID: 26000322, 32013919, 36200804) (PM5). This variant has a 0.0040% maximum allele frequency in non-founder control populations (PM2). Computational algorithms produce conflicting evidence regarding the predicted functional impact of this variant (REVEL score: 0.565). Based on the current evidence, this variant is classified as likely pathogenic for autosomal recessive mitochondrial short-chain enoyl-CoA hydratase 1 deficiency.

3billion
Classification: Pathogenic for Mitochondrial short-chain Enoyl-Coa hydratase 1 deficiency. Last evaluated: 2024-11-25. Review status: criteria provided, single submitter. Criteria: ACMG Guidelines, 2015. Collection method: clinical testing. Allele origin: germline. Affected: yes.
Comment: The variant is observed at an extremely low frequency in the gnomAD v4.1.0 dataset (total allele frequency: <0.001%). Predicted Consequence/Location: Missense variant In silico tool predictions suggest damaging effect of the variant on gene or gene product [3Cnet: 0.80 (>=0.6, sensitivity 0.72 and precision 0.9)]. The same nucleotide change resulting in the same amino acid change has been previously reported as pathogenic/likely pathogenic with strong evidence (ClinVar ID: VCV000369670 /PMID: 26938784). Different missense changes at the same codon (p.Arg54His, p.Arg54Leu) have been reported as pathogenic/likely pathogenic with strong evidence (ClinVar ID: VCV000802642, VCV001521152 /PMID: 26000322). Therefore, this variant is classified as Pathogenic according to the recommendation of ACMG/AMP guideline.

Blueprint Genetics
Classification: Pathogenic for ECHS1-related disorders. Last evaluated: 2024-04-15. Review status: criteria provided, single submitter. Criteria: ACMG Guidelines, 2015. Collection method: clinical testing. Allele origin: germline. Affected: yes. Observed: 1 variant allele.

Labcorp Genetics (formerly Invitae), Labcorp
Classification: Likely pathogenic. Last evaluated: 2023-06-15. Review status: criteria provided, single submitter. Criteria: Invitae Variant Classification Sherloc (09022015). Collection method: clinical testing. Allele origin: germline.
Comment: This variant disrupts the p.Arg54 amino acid residue in ECHS1. Other variant(s) that disrupt this residue have been determined to be pathogenic (PMID: 26000322, 32013919). This suggests that this residue is clinically significant, and that variants that disrupt this residue are likely to be disease-causing. In summary, the currently available evidence indicates that the variant is pathogenic, but additional data are needed to prove that conclusively. Therefore, this variant has been classified as Likely Pathogenic. This sequence change replaces arginine, which is basic and polar, with cysteine, which is neutral and slightly polar, at codon 54 of the ECHS1 protein (p.Arg54Cys). This variant is present in population databases (rs758723288, gnomAD 0.004%). This missense change has been observed in individual(s) with clinical features of mitochondrial short-chain enoyl-CoA hydratase 1 deficiency (PMID: 26938784; Invitae). In at least one individual the data is consistent with being in trans (on the opposite chromosome) from a pathogenic variant. ClinVar contains an entry for this variant (Variation ID: 369670). Advanced modeling of protein sequence and biophysical properties (such as structural, functional, and spatial information, amino acid conservation, physicochemical variation, residue mobility, and thermodynamic stability) performed at Invitae indicates that this missense variant is expected to disrupt ECHS1 protein function.

Victorian Clinical Genetics Services, Murdoch Childrens Research Institute
Classification: Likely pathogenic for Mitochondrial short-chain Enoyl-Coa hydratase 1 deficiency. Last evaluated: 2015-05-05. Review status: criteria provided, single submitter. Criteria: ACMG Guidelines, 2015. Collection method: clinical testing. Allele origin: inherited. Inheritance: Autosomal recessive inheritance. Affected: yes. Observed: 4 variant alleles. Clinical features observed: Sensorineural hearing impairment (HP:0008538), Global developmental delay (HP:0001263), Seizures (HP:0001250).
Comment: This homozygous variant is predicted to create a change of an arginine to a cysteine at position 954, NP_004083.3(ECHS1): p.(Arg54Cys). The arginine at this position is highly conserved. Grantham assessment is likely deleterious due to conservation and amino acid properties. In-silico software predicts this substitution to be deleterious. This variant is novel; however, another variant which results in the same amino acid being substituted has been reported as pathogenic (Haack et al 2015). Urine testing identified raised levels of 2,3-dihydroxy-1-methylbutyric acid and S-(2-carboxypropyl)cysteine, consistent with the diagnosis of ECHS1 deficiency.

PreventionGenetics, part of Exact Sciences
Classification: Likely pathogenic for ECHS1-related condition. Last evaluated: 2024-07-03. Review status: no assertion criteria provided. Collection method: clinical testing. Allele origin: germline. Not counted in ClinVar's aggregate classification.
Comment: The ECHS1 c.160C>T variant is predicted to result in the amino acid substitution p.Arg54Cys. This variant has been reported in the homozygous state in an individual with mitochondrial short-chain enoyl-CoA hydratase 1 deficiency (Table S1, Stark et al. 2016. PubMed ID: 26938784; Table S1, Stark et al. 2017. PubMed ID: 28832562; Table S1, Dillon et al. 2018. PubMed ID: 29453417). This variant is reported in 4 of ~281,000 alleles in gnomAD. An alternate nucleotide change affecting the same amino acid (p.Arg54His) has also been reported in the compound heterozygous state in four unrelated individuals with mitochondrial short-chain enoyl-CoA hydratase 1 deficiency (Table 1, Families F4, F8, and F9, Haack et al. 2015. PubMed ID: 26000322; Table 1, Yang et al. 2020. PubMed ID: 32013919 ). The c.160C>T (p.Arg54Cys) variant is interpreted as likely pathogenic.

Literature cited by the submitters: PubMed 26000322 (cited by 3 submitters); PubMed 32013919 (cited by Variantyx, Inc. and Labcorp Genetics (formerly Invitae), Labcorp); PubMed 36200804 (cited by Variantyx, Inc.); PubMed 26938784 (cited by 4 submitters); PubMed 36515364 (cited by Variantyx, Inc.).